The following is an entry in ClinVar:

NM_012186.3(FOXE3):c.521C>T (p.Ala174Val)

Genes: FOXE3 (forkhead box E3; plus strand), LINC01389 (long intergenic non-protein coding RNA 1389; minus strand). Cytogenetic location: 1p33.
Variant type: single nucleotide variant.
Coding change: c.521C>T on transcript NM_012186.3 (MANE Select); coding-DNA position 521, C replaced by T.
Protein change: p.Ala174Val; replaces alanine 174 with valine.
Molecular consequence: missense variant.
Genome position (GRCh38, 1-based): chr1:47,416,836, C>T. VCF-style: chr1-47416836-C-T. GRCh37 (hg19) VCF-style: chr1-47882508-C-T.
Other names: short protein forms A174V.
Identifiers: ClinVar variation 3516705 (VCV003516705.1).

ClinVar aggregate classification (germline): Uncertain significance (1 of 4 stars; one submission).

Conditions:
Cardiovascular phenotype. Identifiers: MedGen CN230736.

Submission:

Ambry Genetics
Classification: Uncertain significance for Cardiovascular phenotype. Last evaluated: 2024-10-22. Review status: criteria provided, single submitter. Criteria: Ambry Variant Classification Scheme 2023. Collection method: clinical testing. Allele origin: germline.
Comment: The p.A174V variant (also known as c.521C>T), located in coding exon 1 of the FOXE3 gene, results from a C to T substitution at nucleotide position 521. The alanine at codon 174 is replaced by valine, an amino acid with similar properties. This amino acid position is conserved. In addition, this alteration is predicted to be tolerated by in silico analysis. Based on the available evidence, the clinical significance of this variant remains unclear.